The following is an entry in ClinVar:

ClinVar aggregate classification (germline): Likely benign (1 of 4 stars; one submission).

Allele frequency attached by ClinVar (database versions not stated): 1000 Genomes Project 30x 0.00042; gnomAD 0.00089; ExAC 0.00116; gnomAD exomes 0.00138.

Submission:

CeGaT Center for Human Genetics Tuebingen
Classification: Likely benign. Last evaluated: 2022-10-01. Review status: criteria provided, single submitter. Criteria: CeGaT Center For Human Genetics Tuebingen Variant Classification Criteria Version 2. Collection method: clinical testing. Allele origin: germline. Affected: yes. Observed: 1 variant allele.
Comment: ARMCX6: BP4, BP7

NM_019007.4(ARMCX6):c.651C>T (p.Ala217=)

Gene: ARMCX6 (armadillo repeat containing X-linked 6; minus strand). Cytogenetic location: Xq22.1.
Variant type: single nucleotide variant.
Coding change: c.651C>T on transcript NM_019007.4 (MANE Select); coding-DNA position 651, C replaced by T.
Protein change: p.Ala217=; no amino-acid change (alanine 217 retained).
Molecular consequence: synonymous variant.
Genome position (GRCh38, 1-based): chrX:101,615,970, G>A on the plus strand (C>T on the coding strand, the complement: ARMCX6 is on the minus strand). VCF-style: chrX-101615970-G-A. GRCh37 (hg19) VCF-style: chrX-100870960-G-A.
Other names: c.651C>T, p.Ala217= (NM_001009584.2, NM_001184768.2).
Identifiers: ClinVar variation 2661066 (VCV002661066.24), dbSNP rs41307395, ClinGen allele CA10473940.